The following is an entry in ClinVar:

NM_001206999.2(CIT):c.4111G>A (p.Ala1371Thr)

Gene: CIT (citron rho-interacting serine/threonine kinase; minus strand). Cytogenetic location: 12q24.23.
Variant type: single nucleotide variant.
Coding change: c.4111G>A on transcript NM_001206999.2 (MANE Select); coding-DNA position 4111, G replaced by A.
Protein change: p.Ala1371Thr; replaces alanine 1371 with threonine.
Molecular consequence: missense variant.
Genome position (GRCh38, 1-based): chr12:119,718,302, C>T on the plus strand (G>A on the coding strand, the complement: CIT is on the minus strand). VCF-style: chr12-119718302-C-T. GRCh37 (hg19) VCF-style: chr12-120156107-C-T.
Other names: c.3985G>A, p.Ala1329Thr (NM_007174.3); short protein forms A1329T, A1371T.
Identifiers: ClinVar variation 2643386 (VCV002643386.24), dbSNP rs2501226374, ClinGen allele CA386546552.

ClinVar aggregate classification (germline): Uncertain significance (1 of 4 stars; one submission).

Submission:

CeGaT Center for Human Genetics Tuebingen
Classification: Uncertain significance. Last evaluated: 2023-07-01. Review status: criteria provided, single submitter. Criteria: CeGaT Center For Human Genetics Tuebingen Variant Classification Criteria Version 2. Collection method: clinical testing. Allele origin: germline. Affected: yes. Observed: 1 variant allele.
Comment: CIT: PM2